The following is an entry in ClinVar:

NM_000089.4(COL1A2):c.3355G>A (p.Ala1119Thr)

Gene: COL1A2 (collagen type I alpha 2 chain; plus strand). Cytogenetic location: 7q21.3.
Variant type: single nucleotide variant.
Coding change: c.3355G>A on transcript NM_000089.4 (MANE Select); coding-DNA position 3355, G replaced by A.
Protein change: p.Ala1119Thr; replaces alanine 1119 with threonine.
Molecular consequence: missense variant.
Genome position (GRCh38, 1-based): chr7:94,427,714, G>A. VCF-style: chr7-94427714-G-A. GRCh37 (hg19) VCF-style: chr7-94057026-G-A.
Other names: short protein forms A1119T.
Identifiers: ClinVar variation 1709348 (VCV001709348.4), dbSNP rs193922168, ClinGen allele CA368225797.

ClinVar aggregate classification (germline): Pathogenic/Likely pathogenic. Review status: criteria provided, multiple submitters, no conflicts (2 of 4 stars). 2 submissions from 2 submitters: Pathogenic (1); Likely pathogenic (1). Last evaluated 2022-03-30.

Conditions:
Cardiovascular phenotype. Identifiers: MedGen CN230736.
Osteogenesis imperfecta with normal sclerae, dominant form (OI4). Also called: OSTEOGENESIS IMPERFECTA, TYPE IV, WITH DENTINOGENESIS IMPERFECTA; Osteogenesis imperfecta type 4; Osteogenesis Imperfecta Type IV; OSTEOGENESIS IMPERFECTA WITH NORMAL SCLERAE; Common Variable Osteogenesis Imperfecta with Normal Sclerae. Identifiers: Orphanet 216820, Orphanet 666, MedGen C0268363, MONDO:0008148, OMIM 166220.

Submissions (2):

MGZ Medical Genetics Center
Classification: Likely pathogenic for Osteogenesis imperfecta with normal sclerae, dominant form. Last evaluated: 2022-03-30. Review status: criteria provided, single submitter. Criteria: ACMG Guidelines, 2015. Collection method: clinical testing. Allele origin: germline. Affected: yes. Observed: 1 variant allele.
Comment: ACMG criteria applied: PS4_MOD, PM5, PS3_SUP, PM2_SUP, PM6_SUP, PP3, PP4

Ambry Genetics
Classification: Pathogenic for Cardiovascular phenotype. Last evaluated: 2020-12-02. Review status: criteria provided, single submitter. Criteria: Ambry Variant Classification Scheme 2023. Collection method: clinical testing. Allele origin: germline.
Comment: The p.A1119T pathogenic mutation (also known as c.3355G>A), located in coding exon 49 of the COL1A2 gene, results from a G to A substitution at nucleotide position 3355. The alanine at codon 1119 is replaced by threonine, an amino acid with similar properties. This alteration disrupts the C-terminal propeptide cleavage site. Alterations to the C-terminal propeptide cleavage site in both COL1A2 and its paralog COL1A1 have been detected in multiple osteogenesis imperfecta patients (Lindahl K et al. Hum Mutat, 2011 Jun;32:598-609; Cundy T et al. J Bone Miner Res, 2018 07;33:1260-1271). This particular variant has been reported to be the result of a de novo mutation in a patient with high bone mass osteogenesis imperfecta, although it was unclear if paternity was confirmed (Lindahl K et al. Hum Mutat, 2011 Jun;32:598-609). Functional studies indicate that this alteration markedly reduces procollagen processing, leading to to a reduction in mature collagen (Lindahl K et al. Hum Mutat, 2011 Jun;32:598-609). This variant was not reported in population-based cohorts in the Genome Aggregation Database (gnomAD). Based on the supporting evidence, this alteration is interpreted as a disease-causing mutation.

Literature cited by the submitters: PubMed 21344539 (cited by Ambry Genetics); PubMed 29669177 (cited by Ambry Genetics).